The following is an entry in ClinVar:

NM_002948.5(RPL15):c.227C>T (p.Pro76Leu)

Genes: NKIRAS1 (NFKB inhibitor interacting Ras like 1; minus strand), RPL15 (ribosomal protein L15; plus strand). Cytogenetic location: 3p24.2.
Variant type: single nucleotide variant.
Coding change: c.227C>T on transcript NM_002948.5 (MANE Select); coding-DNA position 227, C replaced by T.
Protein change: p.Pro76Leu; replaces proline 76 with leucine.
Molecular consequence: missense variant. On other transcripts: intron variant (1).
Genome position (GRCh38, 1-based): chr3:23,918,494, C>T. VCF-style: chr3-23918494-C-T. GRCh37 (hg19) VCF-style: chr3-23959985-C-T.
Other names: c.227C>T, p.Pro76Leu (NM_001253379.2, NM_001253380.2, NM_001253382.2 and 2 more transcripts); c.-139-7044G>A (NM_001377380.1); short protein forms P76L.
Identifiers: ClinVar variation 3361369 (VCV003361369.1).
Genomic context (GRCh38, chr3:23,918,494, plus strand): 5'-GTGTAGGTTACGTTATATATAGGATTCGTGTTCGCCGTGGTGGCCGAAAACGCCCAGTTC[C>T]TAAGGGTGCAACTTACGGCAAGCCTGTCCATCATGGTGTTAACCAGCTAAAGTTTGCTCG-3'
Protein context (NP_002939.2, residues 66-86): VRRGGRKRPV[Pro76Leu]KGATYGKPVH

ClinVar aggregate classification (germline): Uncertain significance (1 of 4 stars; one submission).

Submission:

GeneDx
Classification: Uncertain significance. Last evaluated: 2023-07-25. Review status: criteria provided, single submitter. Criteria: GeneDx Variant Classification Process June 2021. Collection method: clinical testing. Allele origin: germline. Affected: yes.
Comment: Has not been previously published as pathogenic or benign to our knowledge; Not observed at significant frequency in large population cohorts (gnomAD); In silico analysis supports that this missense variant has a deleterious effect on protein structure/function